The following is an entry in ClinVar:

ClinVar aggregate classification (germline): Conflicting classifications of pathogenicity. Review status: criteria provided, conflicting classifications (1 of 4 stars). 12 submissions from 12 submitters: Uncertain significance (9); Likely benign (2). 1 of the submissions does not count toward it. Last evaluated 2026-01-12.

Conditions:
Familial ovarian cancer. Identifiers: MedGen C5679802, MONDO:0016248.
BRIP1-related disorder. Also called: BRIP1-related condition; BRIP1-related disorders. Identifiers: MedGen CN239206.
Fanconi anemia complementation group J. Also called: BRIP1-Related Fanconi Anemia. Identifiers: Orphanet 84, MedGen C1836860, MONDO:0012187, OMIM 609054.
Familial cancer of breast. Also called: hereditary breast carcinoma; BREAST CANCER, FAMILIAL; Hereditary breast cancer. Identifiers: Orphanet 227535, MedGen C0346153, MONDO:0016419, OMIM 114480. Disease mechanism: loss of function.
Hereditary cancer-predisposing syndrome. Also called: Neoplastic Syndromes, Hereditary; Tumor predisposition; Hereditary Cancer Syndrome; Hereditary neoplastic syndrome. Identifiers: Orphanet 140162, MedGen C0027672, MeSH D009386, MONDO:0015356.

Allele frequency attached by ClinVar (database versions not stated): TOPMed 0.00002.
gnomAD v4.1: 18 of 1,611,956 alleles (0.0011%); highest among the groups gnomAD compares: Non-Finnish European, 0.0012%; no homozygotes.

Submissions (12):

PreventionGenetics, part of Exact Sciences
Classification: Uncertain significance for BRIP1-related condition. Last evaluated: 2026-01-12. Review status: criteria provided, single submitter. Criteria: ACMG Guidelines, 2015. Collection method: clinical testing. Allele origin: germline.
Comment: The BRIP1 c.629C>A variant is predicted to result in the amino acid substitution p.Pro210His. This variant has been reported in individuals with breast cancer as well as healthy controls (Supplementary Data, Breast Cancer Association Consortium et al. 2021. PubMed ID: 33471991). This variant is reported in 0.0047% of alleles in individuals of European (Non-Finnish) descent in gnomAD and is interpreted as uncertain in ClinVar (Variation ID: 231306). At this time, the clinical significance of this variant is uncertain due to the absence of conclusive functional and genetic evidence.

Labcorp Genetics (formerly Invitae), Labcorp
Classification: Uncertain significance for Familial cancer of breast; Fanconi anemia complementation group J. Last evaluated: 2025-12-21. Review status: criteria provided, single submitter. Criteria: Invitae Variant Classification Sherloc (09022015). Collection method: clinical testing. Allele origin: germline.
Comment: This sequence change replaces proline, which is neutral and non-polar, with histidine, which is basic and polar, at codon 210 of the BRIP1 protein (p.Pro210His). This variant is present in population databases (rs140097800, gnomAD 0.004%). This variant has not been reported in the literature in individuals affected with BRIP1-related conditions. ClinVar contains an entry for this variant (Variation ID: 231306). Invitae Evidence Modeling of protein sequence and biophysical properties (such as structural, functional, and spatial information, amino acid conservation, physicochemical variation, residue mobility, and thermodynamic stability) indicates that this missense variant is not expected to disrupt BRIP1 protein function with a negative predictive value of 95%. In summary, the available evidence is currently insufficient to determine the role of this variant in disease. Therefore, it has been classified as a Variant of Uncertain Significance.

GeneDx
Classification: Uncertain significance. Last evaluated: 2025-04-22. Review status: criteria provided, single submitter. Criteria: GeneDx Variant Classification Process June 2021. Collection method: clinical testing. Allele origin: germline. Affected: yes.
Comment: In silico analysis indicates that this missense variant does not alter protein structure/function; Has not been previously published as pathogenic or benign to our knowledge; This variant is associated with the following publications: (PMID: 25256751)

Color Diagnostics, LLC DBA Color Health
Classification: Likely benign for Hereditary cancer-predisposing syndrome. Last evaluated: 2025-04-07. Review status: criteria provided, single submitter. Criteria: ACMG Guidelines, 2015. Collection method: clinical testing. Allele origin: germline.

Ambry Genetics
Classification: Likely benign for Hereditary cancer-predisposing syndrome. Last evaluated: 2024-09-20. Review status: criteria provided, single submitter. Criteria: Ambry Variant Classification Scheme 2023. Collection method: clinical testing. Allele origin: germline.

Molecular Pathology, Peter Maccallum Cancer Centre
Classification: Uncertain significance for Familial ovarian cancer. Last evaluated: 2024-08-09. Review status: criteria provided, single submitter. Criteria: ACMG Guidelines, 2015. Collection method: clinical testing. Allele origin: germline. Inheritance: Autosomal dominant inheritance.

Quest Diagnostics Nichols Institute San Juan Capistrano
Classification: Uncertain significance. Last evaluated: 2024-05-24. Review status: criteria provided, single submitter. Criteria: Quest Diagnostics criteria. Collection method: clinical testing. Allele origin: unknown.
Comment: The BRIP1 c.629C>A (p.Pro210His) variant has been reported in the published literature in in individuals with breast cancer as well as in reportedly healthy individuals (PMID: 33471991 (2021), see also LOVD). The frequency of this variant in the general population, 0.000047 (6/128020 chromosomes (Genome Aggregation Database)), is uninformative in the assessment of its pathogenicity. Analysis of this variant using bioinformatics tools for the prediction of the effect of amino acid changes on protein structure and function yielded conflicting predictions that this variant is benign or damaging. Based on the available information, we are unable to determine the clinical significance of this variant.

Fulgent Genetics
Classification: Uncertain significance for Familial cancer of breast; Fanconi anemia complementation group J. Last evaluated: 2024-01-19. Review status: criteria provided, single submitter. Criteria: ACMG Guidelines, 2015. Collection method: clinical testing. Allele origin: germline.

Baylor Genetics
Classification: Uncertain significance for Familial cancer of breast. Last evaluated: 2023-10-16. Review status: criteria provided, single submitter. Criteria: ACMG Guidelines, 2015. Collection method: clinical testing. Allele origin: unknown.

ARUP Laboratories, Molecular Genetics and Genomics, ARUP Laboratories
Classification: Uncertain significance. Last evaluated: 2023-08-11. Review status: criteria provided, single submitter. Criteria: ARUP Molecular Germline Variant Investigation Process 2024. Collection method: clinical testing. Allele origin: germline.
Comment: The BRIP1 c.629C>A; p.Pro210His variant (rs140097800), to our knowledge, is not reported in the medical literature but is reported in ClinVar (Variation ID: 231306). This variant is found in the non-Finnish European population with an allele frequency of 0.005% (6/128,020 alleles) in the Genome Aggregation Database. Computational analyses predict that this variant is neutral (REVEL: 0.139). However, given the lack of clinical and functional data, the significance of this variant is uncertain at this time.

Mendelics
Classification: Uncertain significance for Familial cancer of breast. Last evaluated: 2019-05-28. Review status: criteria provided, single submitter. Criteria: Mendelics Assertion Criteria 2017. Collection method: clinical testing. Allele origin: unknown.

Department of Pathology and Laboratory Medicine, Sinai Health System
Classification: Uncertain significance. Review status: no assertion criteria provided. Collection method: clinical testing. Allele origin: unknown. Affected: yes. Study: The Canadian Open Genetics Repository (COGR). Not counted in ClinVar's aggregate classification.
Comment: The BRIP1 p.Pro210His variant was not identified in the literature nor was it identified in the following databases: Cosmic, MutDB, or Zhejiang Colon Cancer Database. The variant was identified in dbSNP (ID: rs140097800) as â€šÃ„ÃºWith Uncertain significance alleleâ€šÃ„Ã¹, ClinVar (as uncertain significance by Ambry Genetics, GeneDx, Invitae, and Color Genomics), and Clinvitae (3x) databases. The variant was identified in a control database in 5 of 274722 chromosomes at a frequency of 0.000018 (Genome Aggregation Database Feb 27, 2017). It was observed in the European (Non-Finnish) population in 5 of 125584 chromosomes (freq: 0.00004); it was not observed in the African, Other, Latino, Ashkenazi Jewish, East Asian, European Finnish, and SouthAsian populations. The p.Pro210 residue is not conserved in mammals and computational analyses (PolyPhen-2, SIFT, AlignGVGD, BLOSUM, MutationTaster) provide inconsistent predictions regarding the impact to the protein; this information is not very predictive of pathogenicity. The variant occurs outside of the splicing consensus sequence and in silico or computational prediction software programs (SpliceSiteFinder, MaxEntScan, NNSPLICE, GeneSplicer, HumanSpliceFinder) do not predict a difference in splicing. In summary, based on the above information the clinical significance of this variant cannot be determined with certainty at this time. This variant is classified as a variant of uncertain significance.

Literature cited by the submitters: PubMed 33471991 (cited by Quest Diagnostics Nichols Institute San Juan Capistrano).

NM_032043.3(BRIP1):c.629C>A (p.Pro210His)

Gene: BRIP1 (BRCA1 interacting DNA helicase 1; minus strand). Cytogenetic location: 17q23.2.
Variant type: single nucleotide variant.
Coding change: c.629C>A on transcript NM_032043.3 (MANE Select); coding-DNA position 629, C replaced by A.
Protein change: p.Pro210His; replaces proline 210 with histidine.
Molecular consequence: missense variant.
Genome position (GRCh38, 1-based): chr17:61,808,756, G>T on the plus strand (C>A on the coding strand, the complement: BRIP1 is on the minus strand). VCF-style: chr17-61808756-G-T. GRCh37 (hg19) VCF-style: chr17-59886117-G-T.
Other names: short protein forms P210H.
Identifiers: ClinVar variation 231306 (VCV000231306.35), dbSNP rs140097800, ClinGen allele CA8690872.
Genomic context (GRCh38, chr17:61,808,756, plus strand): 5'-GATGACTCTTGACTGTTTCCTTGTTTAGTAGAACAACAGCACCTAGAACAGTGGCCAGGG[G>T]GCTGTAAGAAAGGAAAGAAACGATAACTAATATCTAAACTACCATAAAAAACGTTATCAA-3'
Protein context (NP_114432.2, residues 200-220): EKINSFSPQK[Pro210His]PGHCSRCCCS